The following is an entry in ClinVar:

ClinVar aggregate classification (germline): Conflicting classifications of pathogenicity. Review status: criteria provided, conflicting classifications (1 of 4 stars). 2 submissions from 2 submitters: Uncertain significance (1); Likely benign (1). Last evaluated 2026-01-05.

Allele frequency attached by ClinVar (database versions not stated): TOPMed 0.00010; gnomAD 0.00015 and 0.00017; ExAC 0.00017; gnomAD exomes 0.00017 and 0.00018.

Submissions (2):

Labcorp Genetics (formerly Invitae), Labcorp
Classification: Uncertain significance. Last evaluated: 2026-01-05. Review status: criteria provided, single submitter. Criteria: Invitae Variant Classification Sherloc (09022015). Collection method: clinical testing. Allele origin: germline.
Comment: This sequence change replaces glycine, which is neutral and non-polar, with serine, which is neutral and polar, at codon 267 of the CAPN5 protein (p.Gly267Ser). This variant is present in population databases (rs782755981, gnomAD 0.04%), and has an allele count higher than expected for a pathogenic variant. This missense change has been observed in individual(s) with autosomal dominant neovascular inflammatory vitreoretinopathy (PMID: 29040051, 31968260). ClinVar contains an entry for this variant (Variation ID: 964215). An algorithm developed to predict the effect of missense changes on protein structure and function (PolyPhen-2) suggests that this variant is likely to be disruptive. Experimental studies have shown that this missense change affects CAPN5 function (PMID: 31968260). In summary, the available evidence is currently insufficient to determine the role of this variant in disease. Therefore, it has been classified as a Variant of Uncertain Significance.

Blueprint Genetics
Classification: Likely benign. Last evaluated: 2024-11-17. Review status: criteria provided, single submitter. Criteria: ACMG Guidelines, 2015. Collection method: clinical testing. Allele origin: germline.

Literature cited by the submitters: PubMed 29040051 (cited by Labcorp Genetics (formerly Invitae), Labcorp); PubMed 31968260 (cited by Labcorp Genetics (formerly Invitae), Labcorp).

NM_004055.5(CAPN5):c.799G>A (p.Gly267Ser)

Gene: CAPN5 (calpain 5; plus strand). Cytogenetic location: 11q13.5.
Variant type: single nucleotide variant.
Coding change: c.799G>A on transcript NM_004055.5 (MANE Select); coding-DNA position 799, G replaced by A.
Protein change: p.Gly267Ser; replaces glycine 267 with serine.
Molecular consequence: missense variant.
Genome position (GRCh38, 1-based): chr11:77,115,494, G>A. VCF-style: chr11-77115494-G-A. GRCh37 (hg19) VCF-style: chr11-76826540-G-A.
Other names: short protein forms G267S.
Identifiers: ClinVar variation 964215 (VCV000964215.9), dbSNP rs782755981, ClinGen allele CA6196562.